The following is an entry in ClinVar:

ClinVar aggregate classification (germline): Uncertain significance. Review status: criteria provided, multiple submitters, no conflicts (2 of 4 stars). 3 submissions from 3 submitters: Uncertain significance (3). Last evaluated 2025-11-18.

Conditions:
Hereditary cancer-predisposing syndrome. Also called: Tumor predisposition; Neoplastic Syndromes, Hereditary; Hereditary neoplastic syndrome; Hereditary Cancer Syndrome. Identifiers: Orphanet 140162, MedGen C0027672, MeSH D009386, MONDO:0015356.
Endometrial carcinoma. Also called: Endometrial carcinoma, somatic. Identifiers: MedGen C0476089, MONDO:0002447, OMIM 608089, HP:0012114.

Allele frequency attached by ClinVar (database versions not stated): gnomAD 0.00001; ExAC 0.00002; gnomAD exomes 0.00002 and 0.00003.
gnomAD v4.1: 43 of 1,614,012 alleles (0.0027%); highest among the groups gnomAD compares: African/African-American, 0.004%; no homozygotes.

Submissions (3):

Labcorp Genetics (formerly Invitae), Labcorp
Classification: Uncertain significance. Last evaluated: 2025-11-18. Review status: criteria provided, single submitter. Criteria: Invitae Variant Classification Sherloc (09022015). Collection method: clinical testing. Allele origin: germline.
Comment: This sequence change replaces serine, which is neutral and polar, with alanine, which is neutral and non-polar, at codon 603 of the MSH3 protein (p.Ser603Ala). This variant is present in population databases (rs751907249, gnomAD 0.007%). This variant has not been reported in the literature in individuals affected with MSH3-related conditions. ClinVar contains an entry for this variant (Variation ID: 850278). An algorithm developed to predict the effect of missense changes on protein structure and function (PolyPhen-2) suggests that this variant is likely to be tolerated. In summary, the available evidence is currently insufficient to determine the role of this variant in disease. Therefore, it has been classified as a Variant of Uncertain Significance.

Ambry Genetics
Classification: Uncertain significance for Hereditary cancer-predisposing syndrome. Last evaluated: 2024-11-14. Review status: criteria provided, single submitter. Criteria: Ambry Variant Classification Scheme 2023. Collection method: clinical testing. Allele origin: germline.
Comment: The p.S603A variant (also known as c.1807T>G), located in coding exon 13 of the MSH3 gene, results from a T to G substitution at nucleotide position 1807. The serine at codon 603 is replaced by alanine, an amino acid with similar properties. This amino acid position is well conserved in available vertebrate species. In addition, the in silico prediction for this alteration is inconclusive. Since supporting evidence is limited at this time, the clinical significance of this alteration remains unclear.

Baylor Genetics
Classification: Uncertain significance for Endometrial carcinoma. Last evaluated: 2023-10-11. Review status: criteria provided, single submitter. Criteria: ACMG Guidelines, 2015. Collection method: clinical testing. Allele origin: unknown.

NM_002439.5(MSH3):c.1807T>G (p.Ser603Ala)

Gene: MSH3 (mutS homolog 3; plus strand). Cytogenetic location: 5q14.1.
Variant type: single nucleotide variant.
Coding change: c.1807T>G on transcript NM_002439.5 (MANE Select); coding-DNA position 1807, T replaced by G.
Protein change: p.Ser603Ala; replaces serine 603 with alanine.
Molecular consequence: missense variant.
Genome position (GRCh38, 1-based): chr5:80,761,589, T>G. VCF-style: chr5-80761589-T-G. GRCh37 (hg19) VCF-style: chr5-80057408-T-G.
Other names: short protein forms S603A.
Identifiers: ClinVar variation 850278 (VCV000850278.12), dbSNP rs751907249, ClinGen allele CA3328052.